The following is an entry in ClinVar:

NM_001655.5(ARCN1):c.760A>G (p.Met254Val)

Gene: ARCN1 (archain 1 coat protein complex I subunit delta; plus strand). Cytogenetic location: 11q23.3.
Variant type: single nucleotide variant.
Coding change: c.760A>G on transcript NM_001655.5 (MANE Select); coding-DNA position 760, A replaced by G.
Protein change: p.Met254Val; replaces methionine 254 with valine.
Molecular consequence: missense variant. On other transcripts: non-coding transcript variant (2), intron variant (1).
Genome position (GRCh38, 1-based): chr11:118,584,586, A>G. VCF-style: chr11-118584586-A-G. GRCh37 (hg19) VCF-style: chr11-118455301-A-G.
Other names: c.496A>G, p.Met166Val (NM_001142281.2, NM_001425081.1); c.760A>G, p.Met254Val (NM_001425073.1, NM_001425078.1); c.757A>G, p.Met253Val (NM_001425074.1, NM_001425079.1); c.703A>G, p.Met235Val (NM_001425075.1); c.691A>G, p.Met231Val (NM_001425076.1); c.316A>G, p.Met106Val (NM_001425080.1); c.653+572A>G (NM_001425077.1); short protein forms M106V, M235V, M254V, M166V, M231V, M253V.
Identifiers: ClinVar variation 3689999 (VCV003689999.2).
Genomic context (GRCh38, chr11:118,584,586, plus strand): 5'-GAAGTAGATAACTTTGTGGACAAATTAAAATCTGAAGGTGAAACCATCATGTCCTCTAGT[A>G]TGGGCAAGCGTACTTCTGAAGCAACCAAAATGCATGCTCCACCCATTAATATGGAAAGGT-3'
Protein context (NP_001646.2, residues 244-264): SEGETIMSSS[Met254Val]GKRTSEATKM

ClinVar aggregate classification (germline): Uncertain significance (1 of 4 stars; one submission).

Submission:

Labcorp Genetics (formerly Invitae), Labcorp
Classification: Uncertain significance. Last evaluated: 2024-04-02. Review status: criteria provided, single submitter. Criteria: Invitae Variant Classification Sherloc (09022015). Collection method: clinical testing. Allele origin: germline.
Comment: This sequence change replaces methionine, which is neutral and non-polar, with valine, which is neutral and non-polar, at codon 254 of the ARCN1 protein (p.Met254Val). This variant is not present in population databases (gnomAD no frequency). This variant has not been reported in the literature in individuals affected with ARCN1-related conditions. Algorithms developed to predict the effect of missense changes on protein structure and function output the following: SIFT: "Not Available"; PolyPhen-2: "Benign"; Align-GVGD: "Not Available". The valine amino acid residue is found in multiple mammalian species, which suggests that this missense change does not adversely affect protein function. In summary, the available evidence is currently insufficient to determine the role of this variant in disease. Therefore, it has been classified as a Variant of Uncertain Significance.